The following is an entry in ClinVar:

NM_001372.4(DNAH9):c.12143dup (p.Ser4049fs)

Gene: DNAH9 (dynein axonemal heavy chain 9; plus strand). Cytogenetic location: 17p12.
Variant type: Duplication.
Coding change: c.12143dup on transcript NM_001372.4 (MANE Select); coding-DNA position 12143, one base duplicated (A; older notation c.12143dupA).
Protein change: p.Ser4049fs; shifts the reading frame from serine 4049.
Molecular consequence: frameshift variant.
Genome position (GRCh38, 1-based): chr17:11,932,051, A duplicated; the last of 2 consecutive A bases (chr17:11,932,050-11,932,051); duplicating either gives the same sequence. VCF-style (leftmost placement, unchanged base first): chr17-11932049-T-TA. GRCh37 (hg19) VCF-style: chr17-11835366-T-TA.
Other names: c.1079dup, p.Ser361fs (NM_004662.2); short protein forms S361fs, S4049fs.
Identifiers: ClinVar variation 3658344 (VCV003658344.2).

ClinVar aggregate classification (germline): Pathogenic (1 of 4 stars; one submission).

Submission:

Labcorp Genetics (formerly Invitae), Labcorp
Classification: Pathogenic. Last evaluated: 2024-06-30. Review status: criteria provided, single submitter. Criteria: Invitae Variant Classification Sherloc (09022015). Collection method: clinical testing. Allele origin: germline.
Comment: This sequence change creates a premature translational stop signal (p.Ser4049Glufs*31) in the DNAH9 gene. It is expected to result in an absent or disrupted protein product. Loss-of-function variants in DNAH9 are known to be pathogenic (PMID: 30471718). This variant is not present in population databases (gnomAD no frequency). This variant has not been reported in the literature in individuals affected with DNAH9-related conditions. For these reasons, this variant has been classified as Pathogenic.

Literature cited by the submitters: PubMed 30471718.